The following is an entry in ClinVar:

NM_004447.6(EPS8):c.683A>C (p.Asp228Ala)

Gene: EPS8 (EGFR pathway substrate 8, signaling adaptor; minus strand). Cytogenetic location: 12p12.3.
Variant type: single nucleotide variant.
Coding change: c.683A>C on transcript NM_004447.6 (MANE Select); coding-DNA position 683, A replaced by C.
Protein change: p.Asp228Ala; replaces aspartic acid 228 with alanine.
Molecular consequence: missense variant. On other transcripts: non-coding transcript variant (2).
Genome position (GRCh38, 1-based): chr12:15,665,809, T>G on the plus strand (A>C on the coding strand, the complement: EPS8 is on the minus strand). VCF-style: chr12-15665809-T-G. GRCh37 (hg19) VCF-style: chr12-15818743-T-G.
Other names: c.683A>C, p.Asp228Ala (NM_001413831.1, NM_001413832.1, NM_001413833.1 and 3 more transcripts); c.443A>C, p.Asp148Ala (NM_001413835.1, NM_001413836.1); c.266A>C, p.Asp89Ala (NM_001413837.1); short protein forms D228A, D148A, D89A.
Identifiers: ClinVar variation 3700587 (VCV003700587.2).

ClinVar aggregate classification (germline): Uncertain significance (1 of 4 stars; one submission).

gnomAD v4.1: 9 of 1,613,654 alleles (0.00056%); highest among the groups gnomAD compares: South Asian, 0.0099%; no homozygotes.

Submission:

Labcorp Genetics (formerly Invitae), Labcorp
Classification: Uncertain significance. Last evaluated: 2024-08-14. Review status: criteria provided, single submitter. Criteria: Invitae Variant Classification Sherloc (09022015). Collection method: clinical testing. Allele origin: germline.
Comment: This sequence change replaces aspartic acid, which is acidic and polar, with alanine, which is neutral and non-polar, at codon 228 of the EPS8 protein (p.Asp228Ala). This variant is present in population databases (rs755206692, gnomAD 0.007%). This missense change has been observed in individual(s) with deafness (Invitae). Invitae Evidence Modeling of protein sequence and biophysical properties (such as structural, functional, and spatial information, amino acid conservation, physicochemical variation, residue mobility, and thermodynamic stability) indicates that this missense variant is not expected to disrupt EPS8 protein function with a negative predictive value of 80%. In summary, the available evidence is currently insufficient to determine the role of this variant in disease. Therefore, it has been classified as a Variant of Uncertain Significance.